The following is an entry in ClinVar:

NM_001999.4(FBN2):c.953-333G>A

Gene: FBN2 (fibrillin 2; minus strand). Cytogenetic location: 5q23.3.
Variant type: single nucleotide variant.
Coding change: c.953-333G>A on transcript NM_001999.4 (MANE Select); 333 bases into the intron before coding-DNA position 953, G replaced by A.
Molecular consequence: intron variant.
Genome position (GRCh38, 1-based): chr5:128,409,132, C>T on the plus strand (G>A on the coding strand, the complement: FBN2 is on the minus strand). VCF-style: chr5-128409132-C-T. GRCh37 (hg19) VCF-style: chr5-127744825-C-T.
Identifiers: ClinVar variation 669639 (VCV000669639.1), dbSNP rs3805648, ClinGen allele CA127045234.

ClinVar aggregate classification (germline): Benign (1 of 4 stars; one submission).

Allele frequency attached by ClinVar (database versions not stated): TOPMed 0.04617; 1000 Genomes Project 30x 0.04700; 1000 Genomes Project 0.04812; gnomAD 0.05384 and 0.05386.
gnomAD v4.1: 8,217 of 152,056 alleles (5.4%); highest among the groups gnomAD compares: East Asian, 9.1%; 305 homozygotes.

Submission:

GeneDx
Classification: Benign. Last evaluated: 2018-06-14. Review status: criteria provided, single submitter. Criteria: GeneDx Variant Classification (06012015). Collection method: clinical testing. Allele origin: germline. Affected: yes.
Comment: This variant is considered likely benign or benign based on one or more of the following criteria: it is a conservative change, it occurs at a poorly conserved position in the protein, it is predicted to be benign by multiple in silico algorithms, and/or has population frequency not consistent with disease.